The following is an entry in ClinVar:

ClinVar aggregate classification (germline): Pathogenic (1 of 4 stars; one submission).

Conditions:
Hermansky-Pudlak syndrome 2 (HPS2). Also called: Platelet defects and oculocutaneous albinism. Identifiers: Orphanet 183678, Orphanet 79430, MedGen C1842362, MONDO:0011997, OMIM 608233.

Submission:

Labcorp Genetics (formerly Invitae), Labcorp
Classification: Pathogenic for Hermansky-Pudlak syndrome 2. Last evaluated: 2021-08-11. Review status: criteria provided, single submitter. Criteria: Invitae Variant Classification Sherloc (09022015). Collection method: clinical testing. Allele origin: germline.
Comment: For these reasons, this variant has been classified as Pathogenic. This variant has not been reported in the literature in individuals affected with AP3B1-related conditions. This variant is not present in population databases (ExAC no frequency). This sequence change creates a premature translational stop signal (p.Asn934Ilefs*3) in the AP3B1 gene. It is expected to result in an absent or disrupted protein product. Loss-of-function variants in AP3B1 are known to be pathogenic (PMID: 16507770, 23403622).

Literature cited by the submitters: PubMed 16507770; PubMed 23403622.

NM_003664.5(AP3B1):c.2801del (p.Asn934fs)

Gene: AP3B1 (adaptor related protein complex 3 subunit beta 1; minus strand). Cytogenetic location: 5q14.1.
Variant type: Deletion.
Coding change: c.2801del on transcript NM_003664.5 (MANE Select); coding-DNA position 2801, one base deleted (A; older notation c.2801delA).
Protein change: p.Asn934fs; shifts the reading frame from asparagine 934.
Molecular consequence: frameshift variant.
Genome position (GRCh38, 1-based): chr5:78,039,051, T deleted on the plus strand (A on the coding strand, the reverse complement: AP3B1 is on the minus strand); the first of 2 consecutive T bases (chr5:78,039,051-78,039,052); deleting either gives the same sequence. VCF-style (leftmost placement, unchanged base first): chr5-78039050-AT-A. GRCh37 (hg19) VCF-style: chr5-77334874-AT-A.
Other names: c.2654del, p.Asn885fs (NM_001271769.2); short protein forms N885fs, N934fs.
Identifiers: ClinVar variation 1455598 (VCV001455598.6), dbSNP rs2112100020, ClinGen allele CA2573139960.